The following is an entry in ClinVar:

ClinVar aggregate classification (germline): Uncertain significance. Review status: criteria provided, multiple submitters, no conflicts (2 of 4 stars). 2 submissions from 2 submitters: Uncertain significance (2). Last evaluated 2025-01-27.

Conditions:
Inborn genetic diseases. Identifiers: MedGen C0950123, MeSH D030342.
Nemaline myopathy 2 (NEM2). Also called: Nemaline myopathy 2, autosomal recessive. Identifiers: MedGen C1850569, MONDO:0009725, OMIM 256030.

Allele frequency attached by ClinVar (database versions not stated): TOPMed below 0.00001.

Submissions (2):

Ambry Genetics
Classification: Uncertain significance for Inborn genetic diseases. Last evaluated: 2025-01-27. Review status: criteria provided, single submitter. Criteria: Ambry Variant Classification Scheme 2023. Collection method: clinical testing. Allele origin: germline.

Labcorp Genetics (formerly Invitae), Labcorp
Classification: Uncertain significance for Nemaline myopathy 2. Last evaluated: 2022-07-27. Review status: criteria provided, single submitter. Criteria: Invitae Variant Classification Sherloc (09022015). Collection method: clinical testing. Allele origin: germline.
Comment: This sequence change replaces aspartic acid, which is acidic and polar, with valine, which is neutral and non-polar, at codon 6141 of the NEB protein (p.Asp6141Val). This variant is not present in population databases (gnomAD no frequency). This variant has not been reported in the literature in individuals affected with NEB-related conditions. Algorithms developed to predict the effect of missense changes on protein structure and function are either unavailable or do not agree on the potential impact of this missense change (SIFT: "Tolerated"; PolyPhen-2: "Not Available"; Align-GVGD: "Class C0"). In summary, the available evidence is currently insufficient to determine the role of this variant in disease. Therefore, it has been classified as a Variant of Uncertain Significance.

NM_001164508.2(NEB):c.18422A>T (p.Asp6141Val)

Gene: NEB (nebulin; minus strand). Cytogenetic location: 2q23.3.
Variant type: single nucleotide variant.
Coding change: c.18422A>T on transcript NM_001164508.2 (MANE Select); coding-DNA position 18422, A replaced by T.
Protein change: p.Asp6141Val; replaces aspartic acid 6141 with valine.
Molecular consequence: missense variant.
Genome position (GRCh38, 1-based): chr2:151,565,093, T>A on the plus strand (A>T on the coding strand, the complement: NEB is on the minus strand). VCF-style: chr2-151565093-T-A. GRCh37 (hg19) VCF-style: chr2-152421607-T-A.
Other names: c.18422A>T, p.Asp6141Val (NM_001164507.2, NM_001271208.2); c.13319A>T, p.Asp4440Val (NM_004543.5); c.13319A>T (NM_004543.4); short protein forms D4440V, D6141V.
Identifiers: ClinVar variation 1945280 (VCV001945280.6), dbSNP rs984793262, ClinGen allele CA57658528.